The following is an entry in ClinVar:

ClinVar aggregate classification (germline): Uncertain significance (1 of 4 stars; one submission).

Conditions:
Hereditary cancer-predisposing syndrome. Also called: Tumor predisposition; Hereditary neoplastic syndrome; Neoplastic Syndromes, Hereditary; Hereditary Cancer Syndrome. Identifiers: Orphanet 140162, MedGen C0027672, MeSH D009386, MONDO:0015356.

Submission:

Ambry Genetics
Classification: Uncertain significance for Hereditary cancer-predisposing syndrome. Last evaluated: 2025-04-03. Review status: criteria provided, single submitter. Criteria: Ambry Variant Classification Scheme 2023. Collection method: clinical testing. Allele origin: germline.
Comment: The p.T557S variant (also known as c.1670C>G), located in coding exon 11 of the CTNNA1 gene, results from a C to G substitution at nucleotide position 1670. The threonine at codon 557 is replaced by serine, an amino acid with similar properties. This amino acid position is conserved. In addition, this alteration is predicted to be tolerated by in silico analysis. Based on the available evidence, the clinical significance of this variant remains unclear.

NM_001903.5(CTNNA1):c.1670C>G (p.Thr557Ser)

Gene: CTNNA1 (catenin alpha 1; plus strand). Cytogenetic location: 5q31.2.
Variant type: single nucleotide variant.
Coding change: c.1670C>G on transcript NM_001903.5 (MANE Select); coding-DNA position 1670, C replaced by G.
Protein change: p.Thr557Ser; replaces threonine 557 with serine.
Molecular consequence: missense variant.
Genome position (GRCh38, 1-based): chr5:138,924,633, C>G. VCF-style: chr5-138924633-C-G. GRCh37 (hg19) VCF-style: chr5-138260322-C-G.
Other names: c.317C>G, p.Thr106Ser (NM_001324012.1, NM_001324013.1); c.221C>G, p.Thr74Ser (NM_001324006.1, NM_001324007.1, NM_001324008.1 and 2 more transcripts); c.467C>G, p.Thr156Ser (NM_001324011.1); c.1670C>G, p.Thr557Ser (NM_001290307.3, NM_001323982.2, NM_001323983.1 and 2 more transcripts); c.1361C>G, p.Thr454Ser (NM_001290309.3); c.1301C>G, p.Thr434Ser (NM_001290310.3); c.560C>G, p.Thr187Ser (NM_001290312.1, NM_001323987.1, NM_001323988.1 and 17 more transcripts); c.1577C>G, p.Thr526Ser (NM_001323986.2); short protein forms T526S, T557S, T74S, T187S, T106S, T434S, T156S, T454S.
Identifiers: ClinVar variation 4007971 (VCV004007971.1).
Genomic context (GRCh38, chr5:138,924,633, plus strand): 5'-GCCTGGACCGCACAGCTGGTGCAATTCGAGGCCGGGCAGCCCGGGTCATTCACGTAGTCA[C>G]CTCAGAGATGGACAACTATGAGCCAGGAGTCTACACAGAGAAGGTTCTGGAAGCCACTAA-3'
Protein context (NP_001894.2, residues 547-567): GRAARVIHVV[Thr557Ser]SEMDNYEPGV